The following is an entry in ClinVar:

NM_003322.6(TULP1):c.379G>A (p.Asp127Asn)

Gene: TULP1 (TUB like protein 1; minus strand). Cytogenetic location: 6p21.31.
Variant type: single nucleotide variant.
Coding change: c.379G>A on transcript NM_003322.6 (MANE Select); coding-DNA position 379, G replaced by A.
Protein change: p.Asp127Asn; replaces aspartic acid 127 with asparagine.
Molecular consequence: missense variant.
Genome position (GRCh38, 1-based): chr6:35,510,981, C>T on the plus strand (G>A on the coding strand, the complement: TULP1 is on the minus strand). VCF-style: chr6-35510981-C-T. GRCh37 (hg19) VCF-style: chr6-35478758-C-T.
Other names: c.220G>A, p.Asp74Asn (NM_001289395.2); short protein forms D127N, D74N.
Identifiers: ClinVar variation 1957605 (VCV001957605.2), dbSNP rs144957247, ClinGen allele CA3772934.

ClinVar aggregate classification (germline): Uncertain significance (1 of 4 stars; one submission).

Allele frequency attached by ClinVar (database versions not stated): gnomAD 0.00001; ExAC 0.00002; TOPMed 0.00002; ESP Exome Variant Server 0.00015.
gnomAD v4.1: 13 of 1,600,712 alleles (0.00081%); highest among the groups gnomAD compares: Non-Finnish European, 0.0011%; no homozygotes.

Submission:

Labcorp Genetics (formerly Invitae), Labcorp
Classification: Uncertain significance. Last evaluated: 2022-08-22. Review status: criteria provided, single submitter. Criteria: Invitae Variant Classification Sherloc (09022015). Collection method: clinical testing. Allele origin: germline.
Comment: This sequence change replaces aspartic acid, which is acidic and polar, with asparagine, which is neutral and polar, at codon 127 of the TULP1 protein (p.Asp127Asn). The frequency data for this variant in the population databases is considered unreliable, as metrics indicate poor data quality at this position in the gnomAD database. This variant has not been reported in the literature in individuals affected with TULP1-related conditions. Algorithms developed to predict the effect of missense changes on protein structure and function are either unavailable or do not agree on the potential impact of this missense change (SIFT: "Not Available"; PolyPhen-2: "Benign"; Align-GVGD: "Not Available"). In summary, the available evidence is currently insufficient to determine the role of this variant in disease. Therefore, it has been classified as a Variant of Uncertain Significance.